The following is an entry in ClinVar:

NM_000216.4(ANOS1):c.256T>A (p.Cys86Ser)

Gene: ANOS1 (anosmin 1; minus strand). Cytogenetic location: Xp22.31.
Variant type: single nucleotide variant.
Coding change: c.256T>A on transcript NM_000216.4 (MANE Select); coding-DNA position 256, T replaced by A.
Protein change: p.Cys86Ser; replaces cysteine 86 with serine.
Molecular consequence: missense variant.
Genome position (GRCh38, 1-based): chrX:8,623,670, A>T on the plus strand (T>A on the coding strand, the complement: ANOS1 is on the minus strand). VCF-style: chrX-8623670-A-T. GRCh37 (hg19) VCF-style: chrX-8591711-A-T.
Other names: c.256T>A, p.Cys86Ser (NM_001440775.1); short protein forms C86S.
Identifiers: ClinVar variation 4540562 (VCV004540562.2).

ClinVar aggregate classification (germline): Pathogenic/Likely pathogenic. Review status: criteria provided, multiple submitters, no conflicts (2 of 4 stars). 2 submissions from 2 submitters: Pathogenic (1); Likely pathogenic (1). Last evaluated 2025-10-06.

Conditions:
Hypogonadotropic hypogonadism 1 with or without anosmia (HH1). Also called: Kallmann syndrome, type 1, X-linked; DYSPLASIA OLFACTOGENITALIS OF DE MORSIER; HYPOGONADOTROPIC HYPOGONADISM 1 WITH ANOSMIA; KAL1-Related GnRH Deficiency (Kallmann Syndrome 1; Kallmann Syndrome, X-Linked); Hypogonadotropic hypogonadism 1 with or without anosmia (Kallmann syndrome 1); HYPOGONADOTROPIC HYPOGONADISM AND ANOSMIA. Identifiers: Orphanet 478, MedGen C1563719, MONDO:0010635, OMIM 308700. Disease mechanism: loss of function.
Hypogonadotropic hypogonadism. Also called: Hypogonadotrophic hypogonadism; Isolated hypogonadotropic hypogonadism; Low gonadotropins (secondary hypogonadism); Hypogonadotropic hypogonadism with or without anosmia. Identifiers: Orphanet 432, MedGen C0271623, MONDO:0018555, HP:0000044.

Submissions (2):

Labcorp Genetics (formerly Invitae), Labcorp
Classification: Pathogenic for Hypogonadotropic hypogonadism 1 with or without anosmia. Last evaluated: 2025-10-06. Review status: criteria provided, single submitter. Criteria: Invitae Variant Classification Sherloc (09022015). Collection method: clinical testing. Allele origin: germline.
Comment: This sequence change replaces cysteine, which is neutral and slightly polar, with serine, which is neutral and polar, at codon 86 of the ANOS1 protein (p.Cys86Ser). This variant is not present in population databases (gnomAD no frequency). This missense change has been observed in individual(s) with Kallman syndrome (PMID: 32724172). In at least one individual the variant was observed to be de novo. An algorithm developed to predict the effect of missense changes on protein structure and function (PolyPhen-2) suggests that this variant is likely to be disruptive. This variant disrupts the p.Cys86 amino acid residue in ANOS1. Other variant(s) that disrupt this residue have been observed in individuals with ANOS1-related conditions (PMID: 23533228, 26141714, 32724172), which suggests that this may be a clinically significant amino acid residue. For these reasons, this variant has been classified as Pathogenic.

Cambridge Genomics Laboratory, East Genomic Laboratory Hub, NHS Genomic Medicine Service
Classification: Likely pathogenic for Hypogonadotropic hypogonadism. Last evaluated: 2025-08-07. Review status: criteria provided, single submitter. Criteria: ACGS Best Practice Guidelines for Variant Classification in Rare Disease 2020. Collection method: clinical testing. Allele origin: germline. Affected: yes.
Comment: PS2,PS4_Supporting,PM2,PP3

Literature cited by the submitters: PubMed 32724172 (cited by Labcorp Genetics (formerly Invitae), Labcorp); PubMed 23533228 (cited by Labcorp Genetics (formerly Invitae), Labcorp); PubMed 26141714 (cited by Labcorp Genetics (formerly Invitae), Labcorp).